The following is an entry in ClinVar:

ClinVar aggregate classification (germline): Uncertain significance (1 of 4 stars; one submission).

Conditions:
SIM1-related disorder. Also called: SIM1-related disorders; SIM1-related condition.

Submission:

PreventionGenetics, part of Exact Sciences
Classification: Uncertain significance for SIM1-related condition. Last evaluated: 2025-10-26. Review status: criteria provided, single submitter. Criteria: ACMG Guidelines, 2015. Collection method: clinical testing. Allele origin: germline.
Comment: The SIM1 c.1570+5G>C variant is predicted to interfere with splicing. To our knowledge, this variant has not been reported in the literature or in a large population database (gnomAD), indicating this variant is rare. This variant is predicted to alter splicing based on available splicing prediction programs (SpliceAI, Jaganathan et al. 2019. PubMed ID: 30661751). However, the use of computer prediction programs is not equivalent to functional evidence. At this time, the clinical significance of this variant is uncertain due to the absence of conclusive functional and genetic evidence.

NM_005068.3(SIM1):c.1570+5G>C

Gene: SIM1 (SIM bHLH transcription factor 1; minus strand). Cytogenetic location: 6q16.3.
Variant type: single nucleotide variant.
Coding change: c.1570+5G>C on transcript NM_005068.3 (MANE Select); 5 bases into the intron after coding-DNA position 1570, G replaced by C.
Molecular consequence: intron variant.
Genome position (GRCh38, 1-based): chr6:100,393,482, C>G on the plus strand (G>C on the coding strand, the complement: SIM1 is on the minus strand). VCF-style: chr6-100393482-C-G. GRCh37 (hg19) VCF-style: chr6-100841358-C-G.
Other names: c.1570+5G>C (NM_001374769.1).
Identifiers: ClinVar variation 4998656 (VCV004998656.1).